The following is an entry in ClinVar:

NM_002010.3(FGF9):c.190A>G (p.Arg64Gly)

Gene: FGF9 (fibroblast growth factor 9; plus strand). Cytogenetic location: 13q12.11.
Variant type: single nucleotide variant.
Coding change: c.190A>G on transcript NM_002010.3 (MANE Select); coding-DNA position 190, A replaced by G.
Protein change: p.Arg64Gly; replaces arginine 64 with glycine.
Molecular consequence: missense variant.
Genome position (GRCh38, 1-based): chr13:21,672,102, A>G. VCF-style: chr13-21672102-A-G. GRCh37 (hg19) VCF-style: chr13-22246241-A-G.
Other names: short protein forms R64G.
Identifiers: ClinVar variation 2506665 (VCV002506665.1), dbSNP rs1871783338, ClinGen allele CA387674115.

ClinVar aggregate classification (germline): Uncertain significance (1 of 4 stars; one submission).

Submission:

GeneDx
Classification: Uncertain significance. Last evaluated: 2022-12-20. Review status: criteria provided, single submitter. Criteria: GeneDx Variant Classification Process June 2021. Collection method: clinical testing. Allele origin: germline. Affected: yes.
Comment: Not observed at significant frequency in large population cohorts (gnomAD); In silico analysis supports that this missense variant has a deleterious effect on protein structure/function; Has not been previously published as pathogenic or benign to our knowledge